The following is an entry in ClinVar:

ClinVar aggregate classification (germline): Benign. Review status: criteria provided, multiple submitters, no conflicts (2 of 4 stars). 5 submissions from 5 submitters: Benign (4). 1 of the submissions does not count toward it. Last evaluated 2025-07-25.

Conditions:
SLCO1B1-related disorder. Also called: SLCO1B1-related condition.
Rotor syndrome (HBLRR). Also called: HYPERBILIRUBINEMIA, ROTOR TYPE, DIGENIC; HYPERBILIRUBINEMIA, ROTOR TYPE. Identifiers: Orphanet 3111, MedGen C0220991, MONDO:0009379, OMIM 237450.

Allele frequency attached by ClinVar (database versions not stated): gnomAD exomes 0.00463 and 0.01097; ExAC 0.01342; gnomAD 0.02844 and 0.02933; TOPMed 0.03118; ESP Exome Variant Server 0.03292; 1000 Genomes Project 0.03674; 1000 Genomes Project 30x 0.03779.

Submissions (5):

ARUP Laboratories, Molecular Genetics and Genomics, ARUP Laboratories
Classification: Benign for Rotor syndrome. Last evaluated: 2025-07-25. Review status: criteria provided, single submitter. Criteria: ARUP Molecular Germline Variant Investigation Process 2024. Collection method: clinical testing. Allele origin: germline.

GeneDx
Classification: Benign. Last evaluated: 2021-05-05. Review status: criteria provided, single submitter. Criteria: GeneDx Variant Classification Process June 2021. Collection method: clinical testing. Allele origin: germline. Affected: yes.

Illumina Laboratory Services, Illumina
Classification: Benign for Rotor syndrome. Last evaluated: 2018-01-13. Review status: criteria provided, single submitter. Criteria: ICSL Variant Classification Criteria 13 December 2019. Collection method: clinical testing. Allele origin: germline.
Comment: This variant was observed in the ICSL laboratory as part of a predisposition screen in an ostensibly healthy population. It had not been previously curated by ICSL or reported in the Human Gene Mutation Database (HGMD: prior to June 1st, 2018), and was therefore a candidate for classification through an automated scoring system. Utilizing variant allele frequency, disease prevalence and penetrance estimates, and inheritance mode, an automated score was calculated to assess if this variant is too frequent to cause the disease. Based on the score and internal cut-off values, a variant classified as benign is not then subjected to further curation. The score for this variant resulted in a classification of benign for this disease.

Breakthrough Genomics
Classification: Benign. Review status: criteria provided, single submitter. Criteria: ACMG Guidelines, 2015. Collection method: not provided. Allele origin: germline. Inheritance: Autosomal recessive inheritance. Affected: yes.

PreventionGenetics, part of Exact Sciences
Classification: Benign for SLCO1B1-related condition. Last evaluated: 2019-06-05. Review status: no assertion criteria provided. Collection method: clinical testing. Allele origin: germline. Not counted in ClinVar's aggregate classification.
Comment: This variant is classified as benign based on ACMG/AMP sequence variant interpretation guidelines (Richards et al. 2015 PMID: 25741868, with internal and published modifications).

NM_006446.5(SLCO1B1):c.1248G>A (p.Val416=)

Gene: SLCO1B1 (solute carrier organic anion transporter family member 1B1; plus strand). Cytogenetic location: 12p12.1.
Variant type: single nucleotide variant.
Coding change: c.1248G>A on transcript NM_006446.5 (MANE Select); coding-DNA position 1248, G replaced by A.
Protein change: p.Val416=; no amino-acid change (valine 416 retained).
Molecular consequence: synonymous variant.
Genome position (GRCh38, 1-based): chr12:21,202,603, G>A. VCF-style: chr12-21202603-G-A. GRCh37 (hg19) VCF-style: chr12-21355537-G-A.
Other names: c.1248G>A (LRG_1022t1).
Identifiers: ClinVar variation 307947 (VCV000307947.24), dbSNP rs11045859, ClinGen allele CA6476961.